The following is an entry in ClinVar:

ClinVar aggregate classification (germline): Uncertain significance. Review status: criteria provided, multiple submitters, no conflicts (2 of 4 stars). 2 submissions from 2 submitters: Uncertain significance (2). Last evaluated 2024-02-29.

Conditions:
Familial adenomatous polyposis 1 (FAP1). Also called: POLYPOSIS, ADENOMATOUS INTESTINAL; FAMILIAL ADENOMATOUS POLYPOSIS 1, ATTENUATED. Identifiers: MedGen C2713442, MONDO:0021056, OMIM 175100. Disease mechanism: loss of function.
Hereditary cancer-predisposing syndrome. Also called: Hereditary neoplastic syndrome; Neoplastic Syndromes, Hereditary; Tumor predisposition; Hereditary Cancer Syndrome. Identifiers: Orphanet 140162, MedGen C0027672, MeSH D009386, MONDO:0015356.

Submissions (2):

Ambry Genetics
Classification: Uncertain significance for Hereditary cancer-predisposing syndrome. Last evaluated: 2024-02-29. Review status: criteria provided, single submitter. Criteria: Ambry Variant Classification Scheme 2023. Collection method: clinical testing. Allele origin: germline.
Comment: The p.L1827H variant (also known as c.5480T>A), located in coding exon 15 of the APC gene, results from a T to A substitution at nucleotide position 5480. The leucine at codon 1827 is replaced by histidine, an amino acid with similar properties. This amino acid position is conserved. In addition, in silico predictors for this gene do not accurately predict pathogenicity. Based on the available evidence, the clinical significance of this alteration remains unclear.

Labcorp Genetics (formerly Invitae), Labcorp
Classification: Uncertain significance for Familial adenomatous polyposis 1. Last evaluated: 2022-06-18. Review status: criteria provided, single submitter. Criteria: Invitae Variant Classification Sherloc (09022015). Collection method: clinical testing. Allele origin: germline.
Comment: In summary, the available evidence is currently insufficient to determine the role of this variant in disease. Therefore, it has been classified as a Variant of Uncertain Significance. Algorithms developed to predict the effect of missense changes on protein structure and function are either unavailable or do not agree on the potential impact of this missense change (SIFT: "Deleterious"; PolyPhen-2: "Benign"; Align-GVGD: "Class C0"). ClinVar contains an entry for this variant (Variation ID: 835166). This variant has not been reported in the literature in individuals affected with APC-related conditions. This variant is not present in population databases (gnomAD no frequency). This sequence change replaces leucine, which is neutral and non-polar, with histidine, which is basic and polar, at codon 1827 of the APC protein (p.Leu1827His).

NM_000038.6(APC):c.5480T>A (p.Leu1827His)

Gene: APC (APC regulator of Wnt signaling pathway; plus strand). Cytogenetic location: 5q22.2.
Variant type: single nucleotide variant.
Coding change: c.5480T>A on transcript NM_000038.6 (MANE Select); coding-DNA position 5480, T replaced by A.
Protein change: p.Leu1827His; replaces leucine 1827 with histidine.
Molecular consequence: missense variant.
Genome position (GRCh38, 1-based): chr5:112,841,074, T>A. VCF-style: chr5-112841074-T-A. GRCh37 (hg19) VCF-style: chr5-112176771-T-A.
Other names: c.5480T>A, p.Leu1827His (NM_001127510.3, NM_001354895.2); c.5426T>A, p.Leu1809His (NM_001127511.3); c.5534T>A, p.Leu1845His (NM_001354896.2); c.5510T>A, p.Leu1837His (NM_001354897.2); c.5405T>A, p.Leu1802His (NM_001354898.2); c.5396T>A, p.Leu1799His (NM_001354899.2); c.5357T>A, p.Leu1786His (NM_001354900.2); c.5303T>A, p.Leu1768His (NM_001354901.2); and 5 more; short protein forms L1736H, L1768H, L1786H, L1802H, L1809H, L1827H, L1837H, L1544H.
Identifiers: ClinVar variation 835166 (VCV000835166.50), dbSNP rs1765961919, ClinGen allele CA16033322.